The following is an entry in ClinVar:

NM_016169.4(SUFU):c.1018del (p.Ala340fs)

Gene: SUFU (SUFU negative regulator of hedgehog signaling; plus strand). Cytogenetic location: 10q24.32.
Variant type: Deletion.
Coding change: c.1018del on transcript NM_016169.4 (MANE Select); coding-DNA position 1018, one base deleted (G; older notation c.1018delG).
Protein change: p.Ala340fs; shifts the reading frame from alanine 340.
Molecular consequence: frameshift variant.
Genome position (GRCh38, 1-based): chr10:102,599,540, G deleted; the last of 3 consecutive G bases (chr10:102,599,538-102,599,540); deleting any one gives the same sequence. VCF-style (leftmost placement, unchanged base first): chr10-102599537-CG-C. GRCh37 (hg19) VCF-style: chr10-104359294-CG-C.
Other names: c.1018del, p.Ala340fs (NM_001178133.2); c.1018delG (NM_016169.3); c.1018del (NM_016169.3); short protein forms A340fs.
Identifiers: ClinVar variation 1069396 (VCV001069396.10), dbSNP rs2135889203, ClinGen allele CA891842109.

ClinVar aggregate classification (germline): Pathogenic. Review status: criteria provided, multiple submitters, no conflicts (2 of 4 stars). 3 submissions from 3 submitters: Pathogenic (3). Last evaluated 2026-02-10.

Conditions:
Medulloblastoma (MDB). Also called: MEDULLOBLASTOMA PREDISPOSITION SYNDROME; Medulloblastoma, somatic. Identifiers: Orphanet 616, MedGen C0025149, MeSH D008527, MONDO:0007959, OMIM 155255, HP:0002885.
Gorlin syndrome. Also called: Nevoid Basal Cell Carcinoma Syndrome; Basal cell nevus syndrome. Identifiers: Orphanet 377, MedGen C0004779, MONDO:0007187.
Hereditary cancer-predisposing syndrome. Also called: Hereditary Cancer Syndrome; Tumor predisposition; Hereditary neoplastic syndrome; Neoplastic Syndromes, Hereditary. Identifiers: Orphanet 140162, MedGen C0027672, MeSH D009386, MONDO:0015356.

Submissions (3):

GeneDx
Classification: Pathogenic. Last evaluated: 2026-02-10. Review status: criteria provided, single submitter. Criteria: GeneDx Variant Classification Process June 2021. Collection method: clinical testing. Allele origin: germline.
Comment: Frameshift variant predicted to result in protein truncation or nonsense mediated decay in a gene for which loss of function is a known mechanism of disease; Not observed at significant frequency in large population cohorts (gnomAD); Has not been previously published as pathogenic or benign to our knowledge

Labcorp Genetics (formerly Invitae), Labcorp
Classification: Pathogenic for Gorlin syndrome; Medulloblastoma. Last evaluated: 2025-03-02. Review status: criteria provided, single submitter. Criteria: Invitae Variant Classification Sherloc (09022015). Collection method: clinical testing. Allele origin: germline.
Comment: This sequence change creates a premature translational stop signal (p.Ala340Profs*21) in the SUFU gene. It is expected to result in an absent or disrupted protein product. Loss-of-function variants in SUFU are known to be pathogenic (PMID: 22508808, 25403219, 33024317). This variant is not present in population databases (gnomAD no frequency). This variant has not been reported in the literature in individuals affected with SUFU-related conditions. ClinVar contains an entry for this variant (Variation ID: 1069396). For these reasons, this variant has been classified as Pathogenic.

Ambry Genetics
Classification: Pathogenic for Hereditary cancer-predisposing syndrome. Last evaluated: 2023-03-15. Review status: criteria provided, single submitter. Criteria: Ambry Variant Classification Scheme 2023. Collection method: clinical testing. Allele origin: germline.
Comment: The c.1018delG pathogenic mutation, located in coding exon 8 of the SUFU gene, results from a deletion of one nucleotide at nucleotide position 1018, causing a translational frameshift with a predicted alternate stop codon (p.A340Pfs*21). This variant is considered to be rare based on population cohorts in the Genome Aggregation Database (gnomAD). This alteration is expected to result in loss of function by premature protein truncation or nonsense-mediated mRNA decay. As such, this alteration is interpreted as a disease-causing mutation.

Literature cited by the submitters: PubMed 22508808 (cited by Labcorp Genetics (formerly Invitae), Labcorp); PubMed 25403219 (cited by Labcorp Genetics (formerly Invitae), Labcorp); PubMed 33024317 (cited by Labcorp Genetics (formerly Invitae), Labcorp).